The following is an entry in ClinVar:

NM_001303256.3(MORC2):c.286C>G (p.Gln96Glu)

Gene: MORC2 (MORC family CW-type zinc finger 2; minus strand). Cytogenetic location: 22q12.2.
Variant type: single nucleotide variant.
Coding change: c.286C>G on transcript NM_001303256.3 (MANE Select); coding-DNA position 286, C replaced by G.
Protein change: p.Gln96Glu; replaces glutamine 96 with glutamic acid.
Molecular consequence: missense variant.
Genome position (GRCh38, 1-based): chr22:30,949,783, G>C on the plus strand (C>G on the coding strand, the complement: MORC2 is on the minus strand). VCF-style: chr22-30949783-G-C. GRCh37 (hg19) VCF-style: chr22-31345769-G-C.
Other names: c.286C>G, p.Gln96Glu (NM_001303257.2); c.100C>G, p.Gln34Glu (NM_014941.3); short protein forms Q96E, Q34E.
Identifiers: ClinVar variation 546916 (VCV000546916.50), dbSNP rs749060708, ClinGen allele CA10187299.
Genomic context (GRCh38, chr22:30,949,783, plus strand): 5'-GCCCTGTGACAAGCTTCTAATATACCTACGATTTTAACCCATTCCCGTACTGCCCAATCT[G>C]AGTAGACTCAGGTGTTCGCTTGGCCGACTTCCCAAACTGGATCACACTGGCAGCATCACC-3'
Protein context (NP_001290185.1, residues 86-106): KSAKRTPEST[Gln96Glu]IGQYGNGLKS

ClinVar aggregate classification (germline): Uncertain significance. Review status: criteria provided, multiple submitters, no conflicts (2 of 4 stars). 7 submissions from 6 submitters: Uncertain significance (7). Last evaluated 2024-11-18.

Conditions:
Developmental delay, impaired growth, dysmorphic facies, and axonal neuropathy. Identifiers: MedGen C5436781, MONDO:0030835, OMIM 619090.
Charcot-Marie-Tooth disease axonal type 2Z. Also called: CHARCOT-MARIE-TOOTH DISEASE, AXONAL, AUTOSOMAL DOMINANT, TYPE 2Z; CHARCOT-MARIE-TOOTH NEUROPATHY, TYPE 2Z. Identifiers: Orphanet 466768, MedGen C5569025, MONDO:0014736, OMIM 616688.

Allele frequency attached by ClinVar (database versions not stated): TOPMed below 0.00001; ExAC 0.00001; gnomAD exomes 0.00001.
gnomAD v4.1: 21 of 1,614,176 alleles (0.0013%); highest among the groups gnomAD compares: Non-Finnish European, 0.0018%; no homozygotes.

Submissions (7):

Blueprint Genetics
Classification: Uncertain significance. Last evaluated: 2024-11-18. Review status: criteria provided, single submitter. Criteria: ACMG Guidelines, 2015. Collection method: clinical testing. Allele origin: germline.

Clinical Genetics Laboratory, Skane University Hospital Lund
Classification: Uncertain significance. Last evaluated: 2023-12-22. Review status: criteria provided, single submitter. Criteria: ACMG Guidelines, 2015. Collection method: clinical testing. Allele origin: germline. Affected: yes.

Labcorp Genetics (formerly Invitae), Labcorp
Classification: Uncertain significance for Charcot-Marie-Tooth disease axonal type 2Z. Last evaluated: 2023-05-30. Review status: criteria provided, single submitter. Criteria: Invitae Variant Classification Sherloc (09022015). Collection method: clinical testing. Allele origin: germline.
Comment: In summary, the available evidence is currently insufficient to determine the role of this variant in disease. Therefore, it has been classified as a Variant of Uncertain Significance. This variant is present in population databases (rs749060708, gnomAD 0.004%). Advanced modeling of protein sequence and biophysical properties (such as structural, functional, and spatial information, amino acid conservation, physicochemical variation, residue mobility, and thermodynamic stability) performed at Invitae indicates that this missense variant is expected to disrupt MORC2 protein function. ClinVar contains an entry for this variant (Variation ID: 546916). This missense change has been observed in individual(s) with Charcot-Marie-Tooth disease (PMID: 26659848). This sequence change replaces glutamine, which is neutral and polar, with glutamic acid, which is acidic and polar, at codon 96 of the MORC2 protein (p.Gln96Glu).

Baylor Genetics
Classification: Uncertain significance for Developmental delay, impaired growth, dysmorphic facies, and axonal neuropathy. Last evaluated: 2023-04-05. Review status: criteria provided, single submitter. Criteria: ACMG Guidelines, 2015. Collection method: clinical testing. Allele origin: unknown.

Baylor Genetics
Classification: Uncertain significance for Charcot-Marie-Tooth disease axonal type 2Z. Last evaluated: 2023-04-05. Review status: criteria provided, single submitter. Criteria: ACMG Guidelines, 2015. Collection method: clinical testing. Allele origin: unknown.

CeGaT Center for Human Genetics Tuebingen
Classification: Uncertain significance. Last evaluated: 2022-11-01. Review status: criteria provided, single submitter. Criteria: CeGaT Center For Human Genetics Tuebingen Variant Classification Criteria Version 2. Collection method: clinical testing. Allele origin: germline. Affected: yes. Observed: 1 variant allele.

Breda Genetics srl
Classification: Uncertain significance for Charcot-Marie-Tooth disease axonal type 2Z. Last evaluated: 2021-04-20. Review status: criteria provided, single submitter. Criteria: ACMG Guidelines, 2015. Collection method: clinical testing. Allele origin: germline. Inheritance: Autosomal dominant inheritance. Affected: yes. Observed: 1 variant allele, 1 heterozygote.
Comment: The variant c.286C>G (p.Gln96Glu) in the MORC2 gene is reported as likely pathogenic in ClinVar (Variation ID: 546916) and with effect unknown in the Global Variome shared LOVD database v.3.0. The variant is reported with an estimated allele frequency of 0.0000119 in gnomAD exomes, with no homozygous individuals reported. The nucleotide position is highly conserved across 35 mammalian species (GERP RS: 5.62). In silico analysis gives inconsistent results. This variant was firstly reported by Albulym and colleagues (2016) in a sporadic patient, but the same authors interpreted the variant as uncertain/unconfirmed because they argue that further evidence (for example additional families with the same mutation or functional evidence) are needed for the interpretation of this variant (PMID: 26659848). However, based on the aforementioned evidence and the clinical phenotype, we can not exclude that the variant may actually be pathogenic.

Literature cited by the submitters: PubMed 26659848 (cited by Labcorp Genetics (formerly Invitae), Labcorp and Breda Genetics srl).